The following is an entry in ClinVar:

NM_002519.3(NPAT):c.335G>A (p.Arg112Gln)

Gene: NPAT (nuclear protein, coactivator of histone transcription; minus strand). Cytogenetic location: 11q22.3.
Variant type: single nucleotide variant.
Coding change: c.335G>A on transcript NM_002519.3 (MANE Select); coding-DNA position 335, G replaced by A.
Protein change: p.Arg112Gln; replaces arginine 112 with glutamine.
Molecular consequence: missense variant.
Genome position (GRCh38, 1-based): chr11:108,189,327, C>T on the plus strand (G>A on the coding strand, the complement: NPAT is on the minus strand). VCF-style: chr11-108189327-C-T. GRCh37 (hg19) VCF-style: chr11-108060054-C-T.
Other names: c.335G>A, p.Arg112Gln (NM_001321307.1); short protein forms R112Q.
Identifiers: ClinVar variation 1730599 (VCV001730599.5), dbSNP rs181005346, ClinGen allele CA6264309.

ClinVar aggregate classification (germline): Uncertain significance. Review status: criteria provided, multiple submitters, no conflicts (2 of 4 stars). 3 submissions from 3 submitters: Uncertain significance (3). Last evaluated 2025-08-12.

Allele frequency attached by ClinVar (database versions not stated): gnomAD 0.00003; ExAC 0.00005; 1000 Genomes Project 0.00040; 1000 Genomes Project 30x 0.00047; TOPMed 0.00001.

Submissions (3):

Labcorp Genetics (formerly Invitae), Labcorp
Classification: Uncertain significance. Last evaluated: 2025-08-12. Review status: criteria provided, single submitter. Criteria: Invitae Variant Classification Sherloc (09022015). Collection method: clinical testing. Allele origin: germline.
Comment: This sequence change replaces arginine, which is basic and polar, with glutamine, which is neutral and polar, at codon 112 of the NPAT protein (p.Arg112Gln). This variant is present in population databases (rs181005346, gnomAD 0.01%). This variant has not been reported in the literature in individuals affected with NPAT-related conditions. ClinVar contains an entry for this variant (Variation ID: 1730599). An algorithm developed to predict the effect of missense changes on protein structure and function (PolyPhen-2) suggests that this variant is likely to be disruptive. In summary, the available evidence is currently insufficient to determine the role of this variant in disease. Therefore, it has been classified as a Variant of Uncertain Significance.

ARUP Laboratories, Molecular Genetics and Genomics, ARUP Laboratories
Classification: Uncertain significance. Last evaluated: 2024-11-25. Review status: criteria provided, single submitter. Criteria: ARUP Molecular Germline Variant Investigation Process 2024. Collection method: clinical testing. Allele origin: germline.

Ambry Genetics
Classification: Uncertain significance. Last evaluated: 2023-11-08. Review status: criteria provided, single submitter. Criteria: Ambry Variant Classification Scheme 2023. Collection method: clinical testing. Allele origin: germline.
Comment: The p.R112Q variant (also known as c.335G>A), located in coding exon 6 of the NPAT gene, results from a G to A substitution at nucleotide position 335. The arginine at codon 112 is replaced by glutamine, an amino acid with highly similar properties. This amino acid position is conserved. In addition, the in silico prediction for this alteration is inconclusive. Since supporting evidence is limited at this time, the clinical significance of this alteration remains unclear.